The following is an entry in ClinVar:

ClinVar aggregate classification (germline): Uncertain significance (1 of 4 stars; one submission).

Submission:

CeGaT Center for Human Genetics Tuebingen
Classification: Uncertain significance. Last evaluated: 2026-01-01. Review status: criteria provided, single submitter. Criteria: CeGaT Center For Human Genetics Tuebingen Variant Classification Criteria Version 2. Collection method: clinical testing. Allele origin: germline. Affected: yes. Observed: 1 variant allele.
Comment: TTC21B: PM2, BP4

NM_024753.5(TTC21B):c.2212-3T>C

Gene: TTC21B (tetratricopeptide repeat domain 21B; minus strand). Cytogenetic location: 2q24.3.
Variant type: single nucleotide variant.
Coding change: c.2212-3T>C on transcript NM_024753.5 (MANE Select); 3 bases into the intron before coding-DNA position 2212, T replaced by C.
Molecular consequence: intron variant.
Genome position (GRCh38, 1-based): chr2:165,912,627, A>G on the plus strand (T>C on the coding strand, the complement: TTC21B is on the minus strand). VCF-style: chr2-165912627-A-G. GRCh37 (hg19) VCF-style: chr2-166769137-A-G.
Identifiers: ClinVar variation 4822918 (VCV004822918.4).